The following is an entry in ClinVar:

ClinVar aggregate classification (germline): Pathogenic (0 of 4 stars; one submission).

Conditions:
Fanconi anemia complementation group A (FANCA). Also called: Fanconi anemia, group A; FANCA-Related Fanconi Anemia. Identifiers: Orphanet 84, MedGen C3469521, MONDO:0009215, OMIM 227650.

Submission:

Leiden Open Variation Database
Classification: Pathogenic for Fanconi anemia complementation group A. Last evaluated: 2020-02-28. Review status: no assertion criteria provided. Collection method: curation. Allele origin: germline. Affected: yes.
Comment: Curator: Arleen D. Auerbach. Submitter to LOVD: Arleen D. Auerbach.

NM_000135.4(FANCA):c.2223-3C>G

Gene: FANCA (FA complementation group A; minus strand). Cytogenetic location: 16q24.3.
Variant type: single nucleotide variant.
Coding change: c.2223-3C>G on transcript NM_000135.4 (MANE Select); 3 bases into the intron before coding-DNA position 2223, C replaced by G.
Molecular consequence: intron variant.
Genome position (GRCh38, 1-based): chr16:89,770,262, G>C on the plus strand (C>G on the coding strand, the complement: FANCA is on the minus strand). VCF-style: chr16-89770262-G-C. GRCh37 (hg19) VCF-style: chr16-89836670-G-C.
Other names: c.2223-3C>G (NM_001286167.3).
Identifiers: ClinVar variation 974331 (VCV000974331.1), dbSNP rs2039278966, ClinGen allele CA1139665014.
Genomic context (GRCh38, chr16:89,770,262, plus strand): 5'-TGCAGGGAGCACACGTCCACACATGGTCCTCACGAAGAGGGCAGCCCAGGGACCCTGCCT[G>C]CAGAGACAGCCGTGAAACCATCAGTACTAGCCATTCAGTCCTGCACATCCCTCCAACAGC-3'